The following is an entry in ClinVar:

ClinVar aggregate classification (germline): Uncertain significance (1 of 4 stars; one submission).

Conditions:
Retinitis pigmentosa 12 (RP12). Also called: RP WITH OR WITHOUT PPRPE; RP WITH OR WITHOUT PRESERVED PARAARTERIOLE RETINAL PIGMENT EPITHELIUM; RETINITIS PIGMENTOSA WITH OR WITHOUT PARAARTERIOLAR PRESERVATION OF RETINAL PIGMENT EPITHELIUM. Identifiers: Orphanet 791, MedGen C1838647, MONDO:0010818, OMIM 600105.
Leber congenital amaurosis 8 (LCA8). Identifiers: Orphanet 65, MedGen C3151202, MONDO:0013453, OMIM 613835.

Allele frequency attached by ClinVar (database versions not stated): ExAC 0.00001; gnomAD exomes 0.00001; TOPMed 0.00001; gnomAD 0.00002; ESP Exome Variant Server 0.00008.
gnomAD v4.1: 17 of 1,614,092 alleles (0.0011%); highest among the groups gnomAD compares: Non-Finnish European, 0.0014%; no homozygotes.

Submission:

Labcorp Genetics (formerly Invitae), Labcorp
Classification: Uncertain significance for Leber congenital amaurosis 8; Retinitis pigmentosa 12. Last evaluated: 2022-11-01. Review status: criteria provided, single submitter. Criteria: Invitae Variant Classification Sherloc (09022015). Collection method: clinical testing. Allele origin: germline.
Comment: This sequence change replaces arginine, which is basic and polar, with lysine, which is basic and polar, at codon 684 of the CRB1 protein (p.Arg684Lys). This variant is present in population databases (rs371557082, gnomAD 0.003%). This variant has not been reported in the literature in individuals affected with CRB1-related conditions. ClinVar contains an entry for this variant (Variation ID: 1055717). Algorithms developed to predict the effect of missense changes on protein structure and function (SIFT, PolyPhen-2, Align-GVGD) all suggest that this variant is likely to be disruptive. In summary, the available evidence is currently insufficient to determine the role of this variant in disease. Therefore, it has been classified as a Variant of Uncertain Significance.

NM_201253.3(CRB1):c.2051G>A (p.Arg684Lys)

Gene: CRB1 (crumbs cell polarity complex component 1; plus strand). Cytogenetic location: 1q31.3.
Variant type: single nucleotide variant.
Coding change: c.2051G>A on transcript NM_201253.3 (MANE Select); coding-DNA position 2051, G replaced by A.
Protein change: p.Arg684Lys; replaces arginine 684 with lysine.
Molecular consequence: missense variant. On other transcripts: non-coding transcript variant (2).
Genome position (GRCh38, 1-based): chr1:197,421,879, G>A. VCF-style: chr1-197421879-G-A. GRCh37 (hg19) VCF-style: chr1-197391009-G-A.
Other names: c.1715G>A, p.Arg572Lys (NM_001193640.2); c.1844G>A, p.Arg615Lys (NM_001257965.2); c.2051G>A, p.Arg684Lys (NM_001257966.2); short protein forms R572K, R615K, R684K.
Identifiers: ClinVar variation 1055717 (VCV001055717.7), dbSNP rs371557082, ClinGen allele CA1312027.